The following is an entry in ClinVar:

NM_000138.5(FBN1):c.994C>T (p.Arg332Cys)

Genes: FBN1 (fibrillin 1; minus strand), LOC113939944 (Sharpr-MPRA regulatory region 9539; plus strand). Cytogenetic location: 15q21.1.
Variant type: single nucleotide variant.
Coding change: c.994C>T on transcript NM_000138.5 (MANE Select); coding-DNA position 994, C replaced by T.
Protein change: p.Arg332Cys; replaces arginine 332 with cysteine.
Molecular consequence: missense variant.
Genome position (GRCh38, 1-based): chr15:48,520,812, G>A on the plus strand (C>T on the coding strand, the complement: FBN1 is on the minus strand). VCF-style: chr15-48520812-G-A. GRCh37 (hg19) VCF-style: chr15-48813009-G-A.
Other names: short protein forms R332C.
Identifiers: ClinVar variation 982352 (VCV000982352.44), dbSNP rs1161109360, ClinGen allele CA392347924.
Genomic context (GRCh38, chr15:48,520,812, plus strand): 5'-ACTGTGGCAGCTGGTTAGAGCAGCGCCCGTTTGTCAGAGCTGTGTAACAGTATCCTGGGC[G>A]AACATCTGAGGACAAAGAAACACATACACACACACACATCGCTGAGATAATACTTGTAAC-3'
Protein context (NP_000129.3, residues 322-342): SPDGTRCIDV[Arg332Cys]PGYCYTALTN

ClinVar aggregate classification (germline): Conflicting classifications of pathogenicity. Review status: criteria provided, conflicting classifications (1 of 4 stars). 11 submissions from 10 submitters: Pathogenic (1); Likely pathogenic (5); Uncertain significance (5). Last evaluated 2026-09-21.

Conditions:
Isolated thoracic aortic aneurysm.
Cardiovascular phenotype. Identifiers: MedGen CN230736.
Familial thoracic aortic aneurysm and aortic dissection (TAAD). Also called: Thoracic aortic aneurysms and dissections. Identifiers: Orphanet 91387, MedGen C4707243, MONDO:0019625.
Marfan syndrome (MFS). Also called: Marfan syndrome, classic; Marfan syndrome type 1; Marfan's syndrome; FBN1-Related Marfan Syndrome; MARFAN SYNDROME, TYPE I. Identifiers: Orphanet 284963, Orphanet 558, MedGen C0024796, MONDO:0007947, OMIM 154700.
Stiff skin syndrome (SSKS). Identifiers: Orphanet 2833, MedGen C1861456, MONDO:0008492, OMIM 184900.

Allele frequency attached by ClinVar (database versions not stated): gnomAD exomes below 0.00001; gnomAD 0.00001.
gnomAD v4.1: 11 of 1,613,996 alleles (0.00068%); highest among the groups gnomAD compares: African/African-American, 0.0027%; no homozygotes.

Submissions (11):

Molecular Diagnostic Laboratory for Inherited Cardiovascular Disease, Montreal Heart Institute
Classification: Uncertain significance for Cardiovascular phenotype. Last evaluated: 2026-09-21. Review status: criteria provided, single submitter. Criteria: ACMG Guidelines, 2015. Collection method: clinical testing. Allele origin: germline. Affected: yes.
Comment: PS4_supp, PM2, PP2, PP3

Ambry Genetics
Classification: Likely pathogenic for Familial thoracic aortic aneurysm and aortic dissection. Last evaluated: 2026-06-29. Review status: criteria provided, single submitter. Criteria: Ambry Variant Classification Scheme 2023. Collection method: clinical testing. Allele origin: germline.
Comment: The p.R332C variant (also known as c.994C>T), located in coding exon 9 of the FBN1 gene, results from a C to T substitution at nucleotide position 994. The arginine at codon 332 is replaced by cysteine, an amino acid with highly dissimilar properties. This variant was reported in individual(s) with features consistent with Marfan syndrome and related fibrillinopathies (Tan L et al. Hum Mol Genet, 2017 Dec;26:4814-4822; Li Y et al. Eur J Hum Genet, 2021 Jul;29:1129-1138; Zhu G et al. Orphanet J Rare Dis, 2021 Dec;16:513; Yang H et al. J Thorac Cardiovasc Surg, 2023 Dec;166:1594-1603.e5; Ambry internal data; external communication). This amino acid position is highly conserved in available vertebrate species. In addition, this alteration is predicted to be deleterious by in silico analysis. Based on the majority of available evidence to date, this variant is likely to be pathogenic.

Labcorp Genetics (formerly Invitae), Labcorp
Classification: Pathogenic for Marfan syndrome; Familial thoracic aortic aneurysm and aortic dissection. Last evaluated: 2025-12-31. Review status: criteria provided, single submitter. Criteria: Invitae Variant Classification Sherloc (09022015). Collection method: clinical testing. Allele origin: germline.
Comment: This sequence change replaces arginine, which is basic and polar, with cysteine, which is neutral and slightly polar, at codon 332 of the FBN1 protein (p.Arg332Cys). This variant is present in population databases (no rsID available, gnomAD 0.0009%). This missense change has been observed in individuals with thoracic aortic aneurysm and dissection (PMID: 28973303, 33824467; internal data). ClinVar contains an entry for this variant (Variation ID: 982352). Invitae Evidence Modeling of protein sequence and biophysical properties (such as structural, functional, and spatial information, amino acid conservation, physicochemical variation, residue mobility, and thermodynamic stability) indicates that this missense variant is expected to disrupt FBN1 protein function with a positive predictive value of 95%. For these reasons, this variant has been classified as Pathogenic.

GeneDx
Classification: Uncertain significance. Last evaluated: 2025-08-08. Review status: criteria provided, single submitter. Criteria: GeneDx Variant Classification Process June 2021. Collection method: clinical testing. Allele origin: germline. Affected: yes.
Comment: Reported in association with TAAD in published literature (PMID: 33824467, 28973303, 34906192); Not observed at significant frequency in large population cohorts (gnomAD); In silico analysis supports that this missense variant has a deleterious effect on protein structure/function; Does not affect a cysteine or calcium-binding residue within an EGF-like domain or a TGF-binding protein domain of the FBN1 gene; cysteine substitutions in the EGF-like domains represent the majority of pathogenic missense changes associated with FBN1-related disorders (PMID: 12938084); This variant is associated with the following publications: (PMID: 33824467, 34906192, 28973303, 12938084)

CeGaT Center for Human Genetics Tuebingen
Classification: Uncertain significance. Last evaluated: 2024-02-01. Review status: criteria provided, single submitter. Criteria: CeGaT Center For Human Genetics Tuebingen Variant Classification Criteria Version 2. Collection method: clinical testing. Allele origin: germline. Affected: yes. Observed: 1 variant allele.
Comment: FBN1: PM2, PS4:Moderate

Baylor Genetics
Classification: Likely pathogenic for Marfan syndrome. Last evaluated: 2024-01-24. Review status: criteria provided, single submitter. Criteria: ACMG Guidelines, 2015. Collection method: clinical testing. Allele origin: unknown.

Baylor Genetics
Classification: Likely pathogenic for Stiff skin syndrome. Last evaluated: 2024-01-24. Review status: criteria provided, single submitter. Criteria: ACMG Guidelines, 2015. Collection method: clinical testing. Allele origin: unknown.

Mayo Clinic Laboratories, Mayo Clinic
Classification: Likely pathogenic. Last evaluated: 2024-01-19. Review status: criteria provided, single submitter. Criteria: ACMG Guidelines, 2015. Collection method: clinical testing. Allele origin: germline.
Comment: PP2, PP3, PM1, PM2, PS4_moderate

ARUP Laboratories, Molecular Genetics and Genomics, ARUP Laboratories
Classification: Likely pathogenic. Last evaluated: 2023-12-26. Review status: criteria provided, single submitter. Criteria: ARUP Molecular Germline Variant Investigation Process 2024. Collection method: clinical testing. Allele origin: germline.
Comment: The FBN1 c.994C>T; p.Arg332Cys variant (rs1161109360) is reported in the literature in individuals affected with thoracic aortic aneurysms and dissections (Li 2021, Tan 2017, Zhu 2021). This variant is also reported in ClinVar (Variation ID: 982352). This variant is only observed on one allele in the Genome Aggregation Database (v2.1.1), indicating it is not a common polymorphism. The arginine at codon 332 is located closely between a calcium binding EGF-like domain and TB domain. The disulfide bridges formed between conserved cysteine residues within these domains are essential for protein folding; creation of a new cysteine may interfere with proper disulfide bridge formation, disrupting protein structure (Yuan 1997). Accordingly, the revised Ghent nosology for Marfan syndrome lists missense variants creating or affecting cysteine residues as one of the criteria for classification of a variant as pathogenic (Loeys 2010). However, the effect of this variant has not been characterized by functional studies. Computational analyses predict that this variant is deleterious (REVEL: 0.823). Based on available information, this variant is considered to be likely pathogenic. References: Li Y et al. Evaluating the monogenic contribution and genotype-phenotype correlation in patients with isolated thoracic aortic aneurysm. Eur J Hum Genet. 2021 Jul;29(7):1129-1138. PMID: 33824467. Loeys BL et al. The revised Ghent nosology for the Marfan syndrome. J Med Genet. 2010 Jul;47(7):476-85. PMID: 20591885. Tan L et al. FBN1 mutations largely contribute to sporadic non-syndromic aortic dissection. Hum Mol Genet. 2017 Dec 15;26(24):4814-4822. PMID: 28973303. Yuan X et al. Solution structure of the transforming growth factor beta-binding protein-like module, a domain associated with matrix fibrils. EMBO J. 1997 Nov 17;16(22):6659-66. PMID: 9362480. Zhu G et al. Novel LTBP3 mutations associated with thoracic aortic aneurysms and dissections. Orphanet J Rare Dis. 2021 Dec 14;16(1):513. PMID: 34906192.

All of Us Research Program, National Institutes of Health
Classification: Uncertain significance for Marfan syndrome. Last evaluated: 2023-05-16. Review status: criteria provided, single submitter. Criteria: ACMG Guidelines, 2015. Collection method: clinical testing. Allele origin: germline. Inheritance: Autosomal dominant inheritance. Observed: 1 variant allele, 1 heterozygote.
Comment: This missense variant replaces arginine with cysteine at codon 332 of the FBN1 protein. Computational prediction suggests that this variant may have deleterious impact on protein structure and function (internally defined REVEL score threshold >= 0.7, PMID: 27666373). To our knowledge, functional studies have not been reported for this variant. This variant has been reported in an individual affected with non-syndromic aortic dissection (PMID: 28973303) and in another individual affected with isolated thoracic aortic aneurysm and dissection (PMID: 33824467). This variant has been identified in 1/251234 chromosomes in the general population by the Genome Aggregation Database (gnomAD). The available evidence is insufficient to determine the role of this variant in disease conclusively. Therefore, this variant is classified as a Variant of Uncertain Significance.

This study involves interpretation of variants in research participants for the purpose of population health screening. Participant phenotype was not available at the time of variant classification. Additional details can be found in publication PMID: 35346344, PMCID: PMC8962531

Department of Vascular Biology, Beijing Anzhen Hospital
Classification: Uncertain significance for Isolated thoracic aortic aneurysm. Last evaluated: 2018-09-01. Review status: criteria provided, single submitter. Criteria: ACMG Guidelines, 2015. Collection method: research. Allele origin: germline. Affected: yes.

Literature cited by the submitters: PubMed 28973303 (cited by 4 submitters); PubMed 33824467 (cited by 4 submitters); PubMed 34906192 (cited by Ambry Genetics and Mayo Clinic Laboratories, Mayo Clinic); PubMed 36517271 (cited by Ambry Genetics).